The following is an entry in ClinVar:

NM_000051.3:c.497-18_497-17insALU

Gene: ATM (ATM serine/threonine kinase; plus strand).
Variant type: Insertion.
Identifiers: ClinVar variation 3449720 (VCV003449720.2).

ClinVar aggregate classification (germline): Likely pathogenic (1 of 4 stars; one submission).

Conditions:
Hereditary cancer-predisposing syndrome. Also called: Tumor predisposition; Neoplastic Syndromes, Hereditary; Hereditary neoplastic syndrome; Hereditary Cancer Syndrome. Identifiers: Orphanet 140162, MedGen C0027672, MeSH D009386, MONDO:0015356.

Submission:

Ambry Genetics
Classification: Likely pathogenic for Hereditary cancer-predisposing syndrome. Last evaluated: 2025-10-10. Review status: criteria provided, single submitter. Criteria: Ambry Variant Classification Scheme 2023. Collection method: clinical testing. Allele origin: germline.
Comment: The c.497-18_497-17insALU likely pathogenic intronic variant, results from an insertion of an Alu element between nucleotide positions c.497-18 and c.497-17 in intron 4 of the ATM gene. Mobile element insertions contribute to pathogenicity by either disrupting the coding sequence or inducing aberrant splicing (Belancio VP et al. Semin. Cancer Biol. 2010 Aug;20:200-10; Deininger P et al. Genome Biol. 2011 Dec;12:236; van der Klift HM Hum Mutat. 2012 Jul;33(7):1051-5). RNA studies have demonstrated that this alteration results in abnormal splicing in the set of samples tested (Ambry internal data). Based on the majority of available evidence to date, this variant is likely to be pathogenic.